The following is an entry in ClinVar:

NM_005228.5(EGFR):c.203C>T (p.Thr68Ile)

Gene: EGFR (epidermal growth factor receptor; plus strand). Cytogenetic location: 7p11.2.
Variant type: single nucleotide variant.
Coding change: c.203C>T on transcript NM_005228.5 (MANE Select); coding-DNA position 203, C replaced by T.
Protein change: p.Thr68Ile; replaces threonine 68 with isoleucine.
Molecular consequence: missense variant. On other transcripts: intron variant (1).
Genome position (GRCh38, 1-based): chr7:55,142,400, C>T. VCF-style: chr7-55142400-C-T. GRCh37 (hg19) VCF-style: chr7-55210093-C-T.
Other names: c.203C>T, p.Thr68Ile (NM_001346897.2, NM_001346898.2, NM_001346899.2 and 3 more transcripts); c.44C>T, p.Thr15Ile (NM_001346900.2); c.89-13430C>T (NM_001346941.2); short protein forms T15I, T68I.
Identifiers: ClinVar variation 1409835 (VCV001409835.6), dbSNP rs2128926385, ClinGen allele CA367574888.

ClinVar aggregate classification (germline): Uncertain significance (1 of 4 stars; one submission).

Conditions:
EGFR-related lung cancer (EGFR). Identifiers: MedGen CN130014.

Allele frequency attached by ClinVar (database versions not stated): gnomAD exomes below 0.00001.
gnomAD v4.1: 1 of 1,614,148 alleles (0.000062%); highest among the groups gnomAD compares: Non-Finnish European, 0.000085%; no homozygotes.

Submission:

Labcorp Genetics (formerly Invitae), Labcorp
Classification: Uncertain significance for EGFR-related lung cancer. Last evaluated: 2023-08-27. Review status: criteria provided, single submitter. Criteria: Invitae Variant Classification Sherloc (09022015). Collection method: clinical testing. Allele origin: germline.
Comment: In summary, the available evidence is currently insufficient to determine the role of this variant in disease. Therefore, it has been classified as a Variant of Uncertain Significance. Advanced modeling of protein sequence and biophysical properties (such as structural, functional, and spatial information, amino acid conservation, physicochemical variation, residue mobility, and thermodynamic stability) performed at Invitae indicates that this missense variant is not expected to disrupt EGFR protein function. ClinVar contains an entry for this variant (Variation ID: 1409835). This variant has not been reported in the literature in individuals affected with EGFR-related conditions. This variant is not present in population databases (gnomAD no frequency). This sequence change replaces threonine, which is neutral and polar, with isoleucine, which is neutral and non-polar, at codon 68 of the EGFR protein (p.Thr68Ile).